The following is an entry in ClinVar:

ClinVar aggregate classification (germline): Uncertain significance (1 of 4 stars; one submission).

Conditions:
Hereditary cancer-predisposing syndrome. Also called: Neoplastic Syndromes, Hereditary; Tumor predisposition; Hereditary neoplastic syndrome; Hereditary Cancer Syndrome. Identifiers: Orphanet 140162, MedGen C0027672, MeSH D009386, MONDO:0015356.

Submission:

Ambry Genetics
Classification: Uncertain significance for Hereditary cancer-predisposing syndrome. Last evaluated: 2026-07-07. Review status: criteria provided, single submitter. Criteria: Ambry Variant Classification Scheme 2023. Collection method: clinical testing. Allele origin: germline.
Comment: The p.I1019V variant (also known as c.3055A>G), located in coding exon 19 of the PTCH1 gene, results from an A to G substitution at nucleotide position 3055. The isoleucine at codon 1019 is replaced by valine, an amino acid with highly similar properties. This amino acid position is conserved. In addition, the in silico prediction for this alteration is inconclusive. Based on the available evidence, the clinical significance of this variant remains unclear.

NM_000264.5(PTCH1):c.3253A>G (p.Ile1085Val)

Gene: PTCH1 (patched 1; minus strand). Cytogenetic location: 9q22.32.
Variant type: single nucleotide variant.
Coding change: c.3253A>G on transcript NM_000264.5 (MANE Select); coding-DNA position 3253, A replaced by G.
Protein change: p.Ile1085Val; replaces isoleucine 1085 with valine.
Molecular consequence: missense variant. On other transcripts: non-coding transcript variant (1).
Genome position (GRCh38, 1-based): chr9:95,456,329, T>C on the plus strand (A>G on the coding strand, the complement: PTCH1 is on the minus strand). VCF-style: chr9-95456329-T-C. GRCh37 (hg19) VCF-style: chr9-98218611-T-C.
Other names: c.3055A>G, p.Ile1019Val (NM_001083602.3); c.3250A>G, p.Ile1084Val (NM_001083603.3); c.2800A>G, p.Ile934Val (NM_001083604.3, NM_001083605.3, NM_001083606.3 and 1 more transcripts); c.3097A>G, p.Ile1033Val (NM_001354918.2); short protein forms I1019V, I1033V, I1085V, I934V, I1084V.
Identifiers: ClinVar variation 5027510 (VCV005027510.1).
Genomic context (GRCh38, chr9:95,456,329, plus strand): 5'-CCCATACCAAAGCAACGTGAACGGTGAACTCCACTCCTATGCCAACAGAAGCGATCAGGA[T>C]GACCACGGGCACGGCACTGAGCTTGATTCCGATGAGGCCCATCATGCCGAACAGCTCGAC-3'
Protein context (NP_000255.2, residues 1075-1095): GIKLSAVPVV[Ile1085Val]LIASVGIGVE